The following is an entry in ClinVar:

NM_000257.4(MYH7):c.5158-10C>T

Genes: MHRT (myosin heavy chain associated RNA transcript; plus strand), MYH7 (myosin heavy chain 7; minus strand), LOC126861897 (BRD4-independent group 4 enhancer GRCh37_chr14:23884455-23885654; plus strand). Cytogenetic location: 14q11.2.
Variant type: single nucleotide variant.
Coding change: c.5158-10C>T on transcript NM_000257.4 (MANE Select); 10 bases into the intron before coding-DNA position 5158, C replaced by T.
Molecular consequence: intron variant.
Genome position (GRCh38, 1-based): chr14:23,415,516, G>A on the plus strand (C>T on the coding strand, the complement: MYH7 is on the minus strand). VCF-style: chr14-23415516-G-A. GRCh37 (hg19) VCF-style: chr14-23884725-G-A.
Identifiers: ClinVar variation 2202276 (VCV002202276.6), dbSNP rs1011777797, ClinGen allele CA257809558.

ClinVar aggregate classification (germline): Likely benign. Review status: criteria provided, multiple submitters, no conflicts (2 of 4 stars). 3 submissions from 3 submitters: Likely benign (3). Last evaluated 2025-02-25.

Conditions:
Cardiomyopathy (CMYO). Also called: Cardiomyopathies. Identifiers: Orphanet 167848, MedGen C0878544, MONDO:0004994, HP:0001638. Inheritance: Various modes of inheritance.
Hypertrophic cardiomyopathy. Also called: HYPERTROPHIC MYOCARDIOPATHY. Identifiers: Orphanet 217569, MedGen C0007194, MeSH D002312, MONDO:0005045, HP:0001639.

Allele frequency attached by ClinVar (database versions not stated): gnomAD exomes below 0.00001; gnomAD 0.00001; TOPMed 0.00001.
gnomAD v4.1: 3 of 1,614,062 alleles (0.00019%); highest among the groups gnomAD compares: African/African-American, 0.0013%; no homozygotes.

Submissions (3):

Labcorp Genetics (formerly Invitae), Labcorp
Classification: Likely benign for Hypertrophic cardiomyopathy. Last evaluated: 2025-02-25. Review status: criteria provided, single submitter. Criteria: Invitae Variant Classification Sherloc (09022015). Collection method: clinical testing. Allele origin: germline.

All of Us Research Program, National Institutes of Health
Classification: Likely benign for Cardiomyopathy. Last evaluated: 2023-06-08. Review status: criteria provided, single submitter. Criteria: ACMG Guidelines, 2015. Collection method: clinical testing. Allele origin: germline. Inheritance: Autosomal dominant inheritance. Observed: 1 variant allele, 1 heterozygote.
Comment: This study involves interpretation of variants in research participants for the purpose of population health screening. Participant phenotype was not available at the time of variant classification. Additional details can be found in publication PMID: 35346344, PMCID: PMC8962531

Color Diagnostics, LLC DBA Color Health
Classification: Likely benign for Cardiomyopathy. Last evaluated: 2022-07-11. Review status: criteria provided, single submitter. Criteria: ACMG Guidelines, 2015. Collection method: clinical testing. Allele origin: germline.